The following is an entry in ClinVar:

ClinVar aggregate classification (germline): Uncertain significance (1 of 4 stars; one submission).

Conditions:
Familial cold autoinflammatory syndrome 3 (FCAS3). Also called: FAMILIAL ATYPICAL COLD URTICARIA; ANTIBODY DEFICIENCY AND IMMUNE DYSREGULATION, PLCG2-ASSOCIATED. Identifiers: Orphanet 300359, MedGen C3280914, MONDO:0013766, OMIM 614468.

Allele frequency attached by ClinVar (database versions not stated): gnomAD 0.00020; TOPMed 0.00008.
gnomAD v4.1: 50 of 1,588,442 alleles (0.0031%); highest among the groups gnomAD compares: Admixed American, 0.082%; 1 homozygote.

Submission:

Labcorp Genetics (formerly Invitae), Labcorp
Classification: Uncertain significance for Familial cold autoinflammatory syndrome 3. Last evaluated: 2024-10-31. Review status: criteria provided, single submitter. Criteria: Invitae Variant Classification Sherloc (09022015). Collection method: clinical testing. Allele origin: germline.
Comment: This sequence change falls in intron 24 of the PLCG2 gene. It does not directly change the encoded amino acid sequence of the PLCG2 protein. It affects a nucleotide within the consensus splice site. This variant is present in population databases (no rsID available, gnomAD 0.03%). This variant has not been reported in the literature in individuals affected with PLCG2-related conditions. ClinVar contains an entry for this variant (Variation ID: 2047957). Variants that disrupt the consensus splice site are a relatively common cause of aberrant splicing (PMID: 17576681, 9536098). Algorithms developed to predict the effect of sequence changes on RNA splicing suggest that this variant is not likely to affect RNA splicing. In summary, the available evidence is currently insufficient to determine the role of this variant in disease. Therefore, it has been classified as a Variant of Uncertain Significance.

Literature cited by the submitters: PubMed 17576681; PubMed 9536098.

NM_002661.5(PLCG2):c.2581+3A>G

Gene: PLCG2 (phospholipase C gamma 2; plus strand). Cytogenetic location: 16q23.3.
Variant type: single nucleotide variant.
Coding change: c.2581+3A>G on transcript NM_002661.5 (MANE Select); 3 bases into the intron after coding-DNA position 2581, A replaced by G.
Molecular consequence: intron variant.
Genome position (GRCh38, 1-based): chr16:81,928,627, A>G. VCF-style: chr16-81928627-A-G. GRCh37 (hg19) VCF-style: chr16-81962232-A-G.
Identifiers: ClinVar variation 2047957 (VCV002047957.4), dbSNP rs1388078163, ClinGen allele CA623771369.